The following is an entry in ClinVar:

ClinVar aggregate classification (germline): Benign/Likely benign. Review status: criteria provided, multiple submitters, no conflicts (2 of 4 stars). 3 submissions from 3 submitters: Benign (1); Likely benign (2). Last evaluated 2026-06-29.

Conditions:
Sessile serrated polyposis cancer syndrome (SSPCS). Identifiers: Orphanet 157798, MedGen C4310714, MONDO:0014919, OMIM 617108.

Submissions (3):

Myriad Genetics, Inc.
Classification: Benign for Sessile serrated polyposis cancer syndrome. Last evaluated: 2026-06-29. Review status: criteria provided, single submitter. Criteria: Myriad Autosomal Dominant, Autosomal Recessive and X-Linked Classification Criteria (2023). Collection method: clinical testing. Allele origin: unknown.
Comment: This variant is considered benign. This variant is a silent/synonymous amino acid change and it is not expected to impact splicing.

Ambry Genetics
Classification: Likely benign. Last evaluated: 2026-02-27. Review status: criteria provided, single submitter. Criteria: Ambry Variant Classification Scheme 2023. Collection method: clinical testing. Allele origin: germline.

Labcorp Genetics (formerly Invitae), Labcorp
Classification: Likely benign. Last evaluated: 2025-06-23. Review status: criteria provided, single submitter. Criteria: Invitae Variant Classification Sherloc (09022015). Collection method: clinical testing. Allele origin: germline.

NM_017763.6(RNF43):c.441T>C (p.Ala147=)

Gene: RNF43 (ring finger protein 43; minus strand). Cytogenetic location: 17q22.
Variant type: single nucleotide variant.
Coding change: c.441T>C on transcript NM_017763.6 (MANE Select); coding-DNA position 441, T replaced by C.
Protein change: p.Ala147=; no amino-acid change (alanine 147 retained).
Molecular consequence: synonymous variant.
Genome position (GRCh38, 1-based): chr17:58,363,535, A>G on the plus strand (T>C on the coding strand, the complement: RNF43 is on the minus strand). VCF-style: chr17-58363535-A-G. GRCh37 (hg19) VCF-style: chr17-56440896-A-G.
Other names: c.441T>C (NM_017763.4); c.441T>C, p.Ala147= (NM_001305544.3, NM_001438820.1, NM_001438821.1 and 1 more transcripts); c.60T>C, p.Ala20= (NM_001305545.2, NM_001437987.1).
Identifiers: ClinVar variation 4705421 (VCV004705421.3).